The following is an entry in ClinVar:

ClinVar aggregate classification (germline): Uncertain significance (1 of 4 stars; one submission).

Allele frequency attached by ClinVar (database versions not stated): gnomAD exomes 0.00008; ExAC 0.00011; TOPMed 0.00012; gnomAD 0.00015; 1000 Genomes Project 30x 0.00016; 1000 Genomes Project 0.00020.
gnomAD v4.1: 137 of 1,537,120 alleles (0.0089%); highest among the groups gnomAD compares: African/African-American, 0.062%; 1 homozygote.

Submission:

Labcorp Genetics (formerly Invitae), Labcorp
Classification: Uncertain significance. Last evaluated: 2023-11-13. Review status: criteria provided, single submitter. Criteria: Invitae Variant Classification Sherloc (09022015). Collection method: clinical testing. Allele origin: germline.
Comment: This sequence change replaces valine, which is neutral and non-polar, with isoleucine, which is neutral and non-polar, at codon 280 of the GCGR protein (p.Val280Ile). This variant is present in population databases (rs548905669, gnomAD 0.04%). This variant has not been reported in the literature in individuals affected with GCGR-related conditions. Algorithms developed to predict the effect of missense changes on protein structure and function output the following: SIFT: "Not Available"; PolyPhen-2: "Benign"; Align-GVGD: "Not Available". The isoleucine amino acid residue is found in multiple mammalian species, which suggests that this missense change does not adversely affect protein function. In summary, the available evidence is currently insufficient to determine the role of this variant in disease. Therefore, it has been classified as a Variant of Uncertain Significance.

NM_000160.5(GCGR):c.838G>A (p.Val280Ile)

Gene: GCGR (glucagon receptor; plus strand). Cytogenetic location: 17q25.3.
Variant type: single nucleotide variant.
Coding change: c.838G>A on transcript NM_000160.5 (MANE Select); coding-DNA position 838, G replaced by A.
Protein change: p.Val280Ile; replaces valine 280 with isoleucine.
Molecular consequence: missense variant.
Genome position (GRCh38, 1-based): chr17:81,811,906, G>A. VCF-style: chr17-81811906-G-A. GRCh37 (hg19) VCF-style: chr17-79769782-G-A.
Other names: short protein forms V280I.
Identifiers: ClinVar variation 2886139 (VCV002886139.3), dbSNP rs548905669, ClinGen allele CA8842131.